The following is an entry in ClinVar:

ClinVar aggregate classification (germline): Uncertain significance (1 of 4 stars; one submission).

Submission:

Labcorp Genetics (formerly Invitae), Labcorp
Classification: Uncertain significance. Last evaluated: 2026-01-11. Review status: criteria provided, single submitter. Criteria: Invitae Variant Classification Sherloc (09022015). Collection method: clinical testing. Allele origin: germline.
Comment: This sequence change falls in intron 4 of the RPSA gene. It does not directly change the encoded amino acid sequence of the RPSA protein. It affects a nucleotide within the consensus splice site. This variant is not present in population databases (gnomAD no frequency). This variant has not been reported in the literature in individuals affected with RPSA-related conditions. Variants that disrupt the consensus splice site are a relatively common cause of aberrant splicing (PMID: 17576681, 9536098). Algorithms developed to predict the effect of sequence changes on RNA splicing suggest that this variant is not likely to affect RNA splicing. In summary, the available evidence is currently insufficient to determine the role of this variant in disease. Therefore, it has been classified as a Variant of Uncertain Significance.

Literature cited by the submitters: PubMed 17576681; PubMed 9536098.

NM_002295.6(RPSA):c.499-3C>T

Gene: RPSA (ribosomal protein SA; plus strand). Cytogenetic location: 3p22.1.
Variant type: single nucleotide variant.
Coding change: c.499-3C>T on transcript NM_002295.6 (MANE Select); 3 bases into the intron before coding-DNA position 499, C replaced by T.
Molecular consequence: intron variant.
Genome position (GRCh38, 1-based): chr3:39,411,646, C>T. VCF-style: chr3-39411646-C-T. GRCh37 (hg19) VCF-style: chr3-39453137-C-T.
Other names: c.514-3C>T (NM_001304288.2).
Identifiers: ClinVar variation 4699711 (VCV004699711.1).